The following is an entry in ClinVar:

ClinVar aggregate classification (germline): Uncertain significance (1 of 4 stars; one submission).

Conditions:
SETX-related disorder. Also called: SETX-related disorders; SETX-related condition. Identifiers: MedGen CN239403.

gnomAD v4.1: 1 of 1,613,752 alleles (0.000062%); highest among the groups gnomAD compares: Non-Finnish European, 0.000085%; no homozygotes.

Submission:

PreventionGenetics, part of Exact Sciences
Classification: Uncertain significance for SETX-related condition. Last evaluated: 2026-03-26. Review status: criteria provided, single submitter. Criteria: ACMG Guidelines, 2015. Collection method: clinical testing. Allele origin: germline.
Comment: The SETX c.2343G>C variant is predicted to result in the amino acid substitution p.Lys781Asn. To our knowledge, this variant has not been reported in the literature or in a large population database (gnomAD), indicating this variant is rare. At this time, the clinical significance of this variant is uncertain due to the absence of conclusive functional and genetic evidence.

NM_015046.7(SETX):c.2343G>C (p.Lys781Asn)

Gene: SETX (senataxin; minus strand). Cytogenetic location: 9q34.13.
Variant type: single nucleotide variant.
Coding change: c.2343G>C on transcript NM_015046.7 (MANE Select); coding-DNA position 2343, G replaced by C.
Protein change: p.Lys781Asn; replaces lysine 781 with asparagine.
Molecular consequence: missense variant.
Genome position (GRCh38, 1-based): chr9:132,329,255, C>G on the plus strand (G>C on the coding strand, the complement: SETX is on the minus strand). VCF-style: chr9-132329255-C-G. GRCh37 (hg19) VCF-style: chr9-135204642-C-G.
Other names: c.2343G>C, p.Lys781Asn (NM_001351527.2, NM_001351528.2); short protein forms K781N.
Identifiers: ClinVar variation 4990330 (VCV004990330.1).